The following is an entry in ClinVar:

NM_022124.6(CDH23):c.6682G>T (p.Glu2228Ter)

Gene: CDH23 (cadherin related 23; plus strand). Cytogenetic location: 10q22.1.
Variant type: single nucleotide variant.
Coding change: c.6682G>T on transcript NM_022124.6 (MANE Select); coding-DNA position 6682, G replaced by T.
Protein change: p.Glu2228Ter; replaces glutamic acid 2228 with a stop codon.
Molecular consequence: nonsense.
Genome position (GRCh38, 1-based): chr10:71,793,610, G>T. VCF-style: chr10-71793610-G-T. GRCh37 (hg19) VCF-style: chr10-73553367-G-T.
Other names: short protein forms E2228*.
Identifiers: ClinVar variation 2697617 (VCV002697617.3), dbSNP rs2132954803, ClinGen allele CA377155567.

ClinVar aggregate classification (germline): Pathogenic (1 of 4 stars; one submission).

Submission:

Labcorp Genetics (formerly Invitae), Labcorp
Classification: Pathogenic. Last evaluated: 2023-11-20. Review status: criteria provided, single submitter. Criteria: Invitae Variant Classification Sherloc (09022015). Collection method: clinical testing. Allele origin: germline.
Comment: This sequence change creates a premature translational stop signal (p.Glu2228*) in the CDH23 gene. It is expected to result in an absent or disrupted protein product. Loss-of-function variants in CDH23 are known to be pathogenic (PMID: 11138009, 21940737). This variant is not present in population databases (gnomAD no frequency). This variant has not been reported in the literature in individuals affected with CDH23-related conditions. For these reasons, this variant has been classified as Pathogenic.

Literature cited by the submitters: PubMed 11138009; PubMed 21940737.